The following is an entry in ClinVar:

NM_007194.4(CHEK2):c.961G>C (p.Glu321Gln)

Gene: CHEK2 (checkpoint kinase 2; minus strand). Cytogenetic location: 22q12.1.
Variant type: single nucleotide variant.
Coding change: c.961G>C on transcript NM_007194.4 (MANE Select); coding-DNA position 961, G replaced by C.
Protein change: p.Glu321Gln; replaces glutamic acid 321 with glutamine.
Molecular consequence: missense variant.
Genome position (GRCh38, 1-based): chr22:28,699,885, C>G on the plus strand (G>C on the coding strand, the complement: CHEK2 is on the minus strand). VCF-style: chr22-28699885-C-G. GRCh37 (hg19) VCF-style: chr22-29095873-C-G.
Other names: c.1090G>C, p.Glu364Gln (NM_001005735.3, NM_001438294.1); c.298G>C, p.Glu100Gln (NM_001257387.3, NM_001437942.1); c.760G>C, p.Glu254Gln (NM_001349956.3); c.1054G>C, p.Glu352Gln (NM_001438293.1, NM_001438295.1); c.961G>C, p.Glu321Gln (NM_145862.3); short protein forms E352Q, E100Q, E254Q, E321Q, E364Q.
Identifiers: ClinVar variation 5034569 (VCV005034569.1).

ClinVar aggregate classification (germline): Uncertain significance (1 of 4 stars; one submission).

Conditions:
Hereditary cancer-predisposing syndrome. Also called: Hereditary Cancer Syndrome; Neoplastic Syndromes, Hereditary; Tumor predisposition; Hereditary neoplastic syndrome. Identifiers: Orphanet 140162, MedGen C0027672, MeSH D009386, MONDO:0015356.

Submission:

Ambry Genetics
Classification: Uncertain significance for Hereditary cancer-predisposing syndrome. Last evaluated: 2026-09-08. Review status: criteria provided, single submitter. Criteria: Ambry Variant Classification Scheme 2023. Collection method: clinical testing. Allele origin: germline.
Comment: The p.E321Q variant (also known as c.961G>C), located in coding exon 8 of the CHEK2 gene, results from a G to C substitution at nucleotide position 961. The glutamic acid at codon 321 is replaced by glutamine, an amino acid with highly similar properties. This amino acid position is highly conserved in available vertebrate species. In addition, this alteration is predicted to be deleterious by in silico analysis. Based on the available evidence, the clinical significance of this variant remains unclear.